The following is an entry in ClinVar:

NM_004069.6(AP2S1):c.334A>T (p.Thr112Ser)

Gene: AP2S1 (adaptor related protein complex 2 subunit sigma 1; minus strand). Cytogenetic location: 19q13.32.
Variant type: single nucleotide variant.
Coding change: c.334A>T on transcript NM_004069.6 (MANE Select); coding-DNA position 334, A replaced by T.
Protein change: p.Thr112Ser; replaces threonine 112 with serine.
Molecular consequence: missense variant.
Genome position (GRCh38, 1-based): chr19:46,838,542, T>A on the plus strand (A>T on the coding strand, the complement: AP2S1 is on the minus strand). VCF-style: chr19-46838542-T-A. GRCh37 (hg19) VCF-style: chr19-47341799-T-A.
Other names: c.382A>T, p.Thr128Ser (NM_001301076.3); c.376A>T, p.Thr126Ser (NM_001301078.3); c.340A>T, p.Thr114Ser (NM_001301081.3); c.220A>T, p.Thr74Ser (NM_021575.5); short protein forms T126S, T74S, T114S, T112S, T128S.
Identifiers: ClinVar variation 1439681 (VCV001439681.6), dbSNP rs779087525, ClinGen allele CA9532904.

ClinVar aggregate classification (germline): Uncertain significance (1 of 4 stars; one submission).

Allele frequency attached by ClinVar (database versions not stated): gnomAD 0.00001; gnomAD exomes 0.00001; ExAC 0.00002; TOPMed 0.00002.
gnomAD v4.1: 11 of 1,614,040 alleles (0.00068%); highest among the groups gnomAD compares: Non-Finnish European, 0.00085%; no homozygotes.

Submission:

Labcorp Genetics (formerly Invitae), Labcorp
Classification: Uncertain significance. Last evaluated: 2021-09-25. Review status: criteria provided, single submitter. Criteria: Invitae Variant Classification Sherloc (09022015). Collection method: clinical testing. Allele origin: germline.
Comment: In summary, the available evidence is currently insufficient to determine the role of this variant in disease. Therefore, it has been classified as a Variant of Uncertain Significance. Algorithms developed to predict the effect of missense changes on protein structure and function (SIFT, PolyPhen-2, Align-GVGD) all suggest that this variant is likely to be tolerated. This variant has not been reported in the literature in individuals affected with AP2S1-related conditions. The frequency data for this variant in the population databases is considered unreliable, as metrics indicate poor data quality at this position in the ExAC database. This sequence change replaces threonine with serine at codon 112 of the AP2S1 protein (p.Thr112Ser). The threonine residue is moderately conserved and there is a small physicochemical difference between threonine and serine.